The following is an entry in ClinVar:

ClinVar aggregate classification (germline): Pathogenic. Review status: criteria provided, multiple submitters, no conflicts (2 of 4 stars). 2 submissions from 2 submitters: Pathogenic (2). Last evaluated 2025-01-06.

Conditions:
Inborn genetic diseases. Identifiers: MedGen C0950123, MeSH D030342.
Bethlem myopathy 1A. Also called: Bethlem Muscular Dystrophy; MYOPATHY, BENIGN CONGENITAL, WITH CONTRACTURES; Bethlem myopathy 1. Identifiers: Orphanet 610, MedGen CN029274, MONDO:0024530, OMIM 158810.

Submissions (2):

Ambry Genetics
Classification: Pathogenic for Inborn genetic diseases. Last evaluated: 2025-01-06. Review status: criteria provided, single submitter. Criteria: Ambry Variant Classification Scheme 2023. Collection method: clinical testing. Allele origin: germline.
Comment: The c.2002G>T (p.E668*) alteration, located in exon 26 (coding exon 25) of the COL6A2 gene, consists of a G to T substitution at nucleotide position 2002. This changes the amino acid from a glutamic acid (E) to a stop codon at amino acid position 668. This alteration is expected to result in loss of function by premature protein truncation or nonsense-mediated mRNA decay. Although biallelic loss of function of COL6A2 has been associated with autosomal recessive COL6A2-related myopathy, haploinsufficiency of COL6A2 has not been established as a mechanism of disease for autosomal dominant COL6A2-related myopathy. for autosomal recessive COL6A2-related myopathy; however, its clinical significance for autosomal dominant COL6A2-related myopathy is uncertain. This variant was not reported in population-based cohorts in the Genome Aggregation Database (gnomAD). Based on the available evidence, this alteration is classified as pathogenic.

Labcorp Genetics (formerly Invitae), Labcorp
Classification: Pathogenic for Bethlem myopathy 1A. Last evaluated: 2022-11-29. Review status: criteria provided, single submitter. Criteria: Invitae Variant Classification Sherloc (09022015). Collection method: clinical testing. Allele origin: germline.
Comment: For these reasons, this variant has been classified as Pathogenic. ClinVar contains an entry for this variant (Variation ID: 476462). This sequence change creates a premature translational stop signal (p.Glu668*) in the COL6A2 gene. It is expected to result in an absent or disrupted protein product. Loss-of-function variants in COL6A2 are known to be pathogenic (PMID: 19884007, 20976770). This variant is not present in population databases (gnomAD no frequency). This variant has not been reported in the literature in individuals affected with COL6A2-related conditions.

Literature cited by the submitters: PubMed 19884007 (cited by Labcorp Genetics (formerly Invitae), Labcorp); PubMed 20976770 (cited by Labcorp Genetics (formerly Invitae), Labcorp).

NM_001849.4(COL6A2):c.2002G>T (p.Glu668Ter)

Gene: COL6A2 (collagen type VI alpha 2 chain; plus strand). Cytogenetic location: 21q22.3.
Variant type: single nucleotide variant.
Coding change: c.2002G>T on transcript NM_001849.4 (MANE Select); coding-DNA position 2002, G replaced by T.
Protein change: p.Glu668Ter; replaces glutamic acid 668 with a stop codon.
Molecular consequence: nonsense.
Genome position (GRCh38, 1-based): chr21:46,125,817, G>T. VCF-style: chr21-46125817-G-T. GRCh37 (hg19) VCF-style: chr21-47545731-G-T.
Other names: c.2002G>T, p.Glu668Ter (NM_058174.3, NM_058175.3); short protein forms E668*.
Identifiers: ClinVar variation 476462 (VCV000476462.8), dbSNP rs138948335, ClinGen allele CA410539722.
Genomic context (GRCh38, chr21:46,125,817, plus strand): 5'-GCAACGACCTCACGCGTGCGGCTTGCAGGGACGCGTGTGGGCGTGGTGCAGTACAGCCAC[G>T]AGGGCACCTTTGAGGCCATCCAGCTGGACGACGAACGTATCGACTCCCTGTCGAGCTTCA-3'